The following is an entry in ClinVar:

NM_002381.5(MATN3):c.602A>G (p.Asp201Gly)

Gene: MATN3 (matrilin 3; minus strand). Cytogenetic location: 2p24.1.
Variant type: single nucleotide variant.
Coding change: c.602A>G on transcript NM_002381.5 (MANE Select); coding-DNA position 602, A replaced by G.
Protein change: p.Asp201Gly; replaces aspartic acid 201 with glycine.
Molecular consequence: missense variant.
Genome position (GRCh38, 1-based): chr2:20,005,932, T>C on the plus strand (A>G on the coding strand, the complement: MATN3 is on the minus strand). VCF-style: chr2-20005932-T-C. GRCh37 (hg19) VCF-style: chr2-20205693-T-C.
Other names: short protein forms D201G.
Identifiers: ClinVar variation 4708706 (VCV004708706.1).
Genomic context (GRCh38, chr2:20,005,932, plus strand): 5'-CCCACAGCATAGAGCTCAATACCAGATGCTTGGGCCCGAGCCGCCACCTCATTCACCTGG[T>C]CCTGGGGCCTCCCATCTGTAACAATGATGGCCACCTTAGGGATGTTAGAAGAGGGCTCTC-3'
Protein context (NP_002372.1, residues 191-211): AIIVTDGRPQ[Asp201Gly]QVNEVAARAQ

ClinVar aggregate classification (germline): Uncertain significance (1 of 4 stars; one submission).

gnomAD v4.1: 6 of 1,613,612 alleles (0.00037%); highest among the groups gnomAD compares: African/African-American, 0.0067%; no homozygotes.

Submission:

Labcorp Genetics (formerly Invitae), Labcorp
Classification: Uncertain significance. Last evaluated: 2026-01-27. Review status: criteria provided, single submitter. Criteria: Invitae Variant Classification Sherloc (09022015). Collection method: clinical testing. Allele origin: germline.
Comment: This sequence change replaces aspartic acid, which is acidic and polar, with glycine, which is neutral and non-polar, at codon 201 of the MATN3 protein (p.Asp201Gly). This variant is not present in population databases (gnomAD no frequency). This variant has not been reported in the literature in individuals affected with MATN3-related conditions. Invitae Evidence Modeling of protein sequence and biophysical properties (such as structural, functional, and spatial information, amino acid conservation, physicochemical variation, residue mobility, and thermodynamic stability) indicates that this missense variant is not expected to disrupt MATN3 protein function with a negative predictive value of 80%. In summary, the available evidence is currently insufficient to determine the role of this variant in disease. Therefore, it has been classified as a Variant of Uncertain Significance.